The following is an entry in ClinVar:

NM_001365276.2(TNXB):c.6395G>A (p.Arg2132Lys)

Gene: TNXB (tenascin XB; minus strand). Cytogenetic location: 6p21.33.
Variant type: single nucleotide variant.
Coding change: c.6395G>A on transcript NM_001365276.2 (MANE Select); coding-DNA position 6395, G replaced by A.
Protein change: p.Arg2132Lys; replaces arginine 2132 with lysine.
Molecular consequence: missense variant.
Genome position (GRCh38, 1-based): chr6:32,067,810, C>T on the plus strand (G>A on the coding strand, the complement: TNXB is on the minus strand). VCF-style: chr6-32067810-C-T. GRCh37 (hg19) VCF-style: chr6-32035587-C-T.
Other names: c.6395G>A, p.Arg2132Lys (NM_019105.8); short protein forms R2132K.
Identifiers: ClinVar variation 1753251 (VCV001753251.2), dbSNP rs774775908, ClinGen allele CA363399759.

ClinVar aggregate classification (germline): Uncertain significance (1 of 4 stars; one submission).

Conditions:
Cardiovascular phenotype. Identifiers: MedGen CN230736.

Submission:

Ambry Genetics
Classification: Uncertain significance for Cardiovascular phenotype. Last evaluated: 2021-09-30. Review status: criteria provided, single submitter. Criteria: Ambry Variant Classification Scheme 2023. Collection method: clinical testing. Allele origin: germline.
Comment: The p.R2132K variant (also known as c.6395G>A), located in coding exon 17 of the TNXB gene, results from a G to A substitution at nucleotide position 6395. The arginine at codon 2132 is replaced by lysine, an amino acid with highly similar properties. This amino acid position is conserved. In addition, this alteration is predicted to be tolerated by in silico analysis. Since supporting evidence is limited at this time, the clinical significance of this alteration remains unclear.